The following is an entry in ClinVar:

NM_001130823.3(DNMT1):c.4785C>T (p.Ala1595=)

Gene: DNMT1 (DNA methyltransferase 1; minus strand). Cytogenetic location: 19p13.2.
Variant type: single nucleotide variant.
Coding change: c.4785C>T on transcript NM_001130823.3 (MANE Select); coding-DNA position 4785, C replaced by T.
Protein change: p.Ala1595=; no amino-acid change (alanine 1595 retained).
Molecular consequence: synonymous variant.
Genome position (GRCh38, 1-based): chr19:10,134,296, G>A on the plus strand (C>T on the coding strand, the complement: DNMT1 is on the minus strand). VCF-style: chr19-10134296-G-A. GRCh37 (hg19) VCF-style: chr19-10244972-G-A.
Other names: c.4746C>T, p.Ala1582= (NM_001318730.2); c.4422C>T, p.Ala1474= (NM_001318731.2); c.4737C>T, p.Ala1579= (NM_001379.4); c.4785C>T (NM_001130823.2).
Identifiers: ClinVar variation 766874 (VCV000766874.13), dbSNP rs750364214, ClinGen allele CA9187389.
Genomic context (GRCh38, chr19:10,134,296, plus strand): 5'-TTTGGCCAACATACAAAGCTTGATCTCCAAGCCAATGGCTTTGGCCAGGGGCGGTGGCAC[G>A]GCATTGCCCACCTGCAGGAGGGGAGAAGGGCAATGCCTGATGTGGACACCCAGGCCCAAG-3'
Protein context (NP_001124295.1, residues 1585-1605): ILDKHRQVGN[Ala1595=]VPPPLAKAIG

ClinVar aggregate classification (germline): Likely benign. Review status: criteria provided, multiple submitters, no conflicts (2 of 4 stars). 3 submissions from 3 submitters: Likely benign (3). Last evaluated 2025-05-27.

Conditions:
Hereditary sensory neuropathy-deafness-dementia syndrome. Also called: NEUROPATHY, HEREDITARY SENSORY, WITH HEARING LOSS AND DEMENTIA; Hereditary sensory neuropathy type IE; HSN IE; Hereditary Sensory and Autonomic Neuropathy Type 1E (HSAN1E). Identifiers: Orphanet 456318, MedGen C3279885, MONDO:0013584, OMIM 614116.
DNMT1-related disorder. Also called: DNMT1-related condition. Identifiers: MedGen CN381527.

Allele frequency attached by ClinVar (database versions not stated): ExAC 0.00008; TOPMed 0.00008; gnomAD 0.00009 and 0.00010; gnomAD exomes 0.00009; 1000 Genomes Project 30x 0.00031.
gnomAD v4.1: 130 of 1,614,052 alleles (0.0081%); highest among the groups gnomAD compares: South Asian, 0.061%; 1 homozygote.

Submissions (3):

PreventionGenetics, part of Exact Sciences
Classification: Likely benign for DNMT1-related condition. Last evaluated: 2025-05-27. Review status: criteria provided, single submitter. Criteria: ACMG Guidelines, 2015. Collection method: clinical testing. Allele origin: germline.
Comment: This variant is classified as likely benign based on ACMG/AMP sequence variant interpretation guidelines (Richards et al. 2015 PMID: 25741868, with internal and published modifications).

Labcorp Genetics (formerly Invitae), Labcorp
Classification: Likely benign for Hereditary sensory neuropathy-deafness-dementia syndrome. Last evaluated: 2025-02-23. Review status: criteria provided, single submitter. Criteria: Invitae Variant Classification Sherloc (09022015). Collection method: clinical testing. Allele origin: germline.

Blueprint Genetics
Classification: Likely benign. Last evaluated: 2023-10-27. Review status: criteria provided, single submitter. Criteria: ACMG Guidelines, 2015. Collection method: clinical testing. Allele origin: germline.